The following is an entry in ClinVar:

ClinVar aggregate classification (germline): Uncertain significance. Review status: criteria provided, multiple submitters, no conflicts (2 of 4 stars). 3 submissions from 3 submitters: Uncertain significance (3). Last evaluated 2024-04-22.

Conditions:
PTCH2-related disorder. Also called: PTCH2-related condition; PTCH2-related disease.
Basal cell carcinoma, susceptibility to, 1. Also called: BCC1. Identifiers: MedGen C2751544, MONDO:0011556, OMIM 605462.
Medulloblastoma (MDB). Also called: Medulloblastoma, somatic; MEDULLOBLASTOMA PREDISPOSITION SYNDROME. Identifiers: Orphanet 616, MedGen C0025149, MeSH D008527, MONDO:0007959, OMIM 155255, HP:0002885.
Gorlin syndrome. Also called: Nevoid Basal Cell Carcinoma Syndrome; Basal cell nevus syndrome. Identifiers: Orphanet 377, MedGen C0004779, MONDO:0007187.

Allele frequency attached by ClinVar (database versions not stated): 1000 Genomes Project 0.00020; 1000 Genomes Project 30x 0.00031.

Submissions (3):

Labcorp Genetics (formerly Invitae), Labcorp
Classification: Uncertain significance for Gorlin syndrome. Last evaluated: 2024-04-22. Review status: criteria provided, single submitter. Criteria: Invitae Variant Classification Sherloc (09022015). Collection method: clinical testing. Allele origin: germline.
Comment: This sequence change replaces alanine, which is neutral and non-polar, with proline, which is neutral and non-polar, at codon 755 of the PTCH2 protein (p.Ala755Pro). This variant is present in population databases (rs200862802, gnomAD 0.01%). This variant has not been reported in the literature in individuals affected with PTCH2-related conditions. ClinVar contains an entry for this variant (Variation ID: 2084472). Advanced modeling of protein sequence and biophysical properties (such as structural, functional, and spatial information, amino acid conservation, physicochemical variation, residue mobility, and thermodynamic stability) performed at Invitae indicates that this missense variant is not expected to disrupt PTCH2 protein function with a negative predictive value of 80%. In summary, the available evidence is currently insufficient to determine the role of this variant in disease. Therefore, it has been classified as a Variant of Uncertain Significance.

Fulgent Genetics
Classification: Uncertain significance for Medulloblastoma; Basal cell carcinoma, susceptibility to, 1. Last evaluated: 2024-03-19. Review status: criteria provided, single submitter. Criteria: ACMG Guidelines, 2015. Collection method: clinical testing. Allele origin: germline.

PreventionGenetics, part of Exact Sciences
Classification: Uncertain significance for PTCH2-related condition. Last evaluated: 2023-01-03. Review status: criteria provided, single submitter. Criteria: ACMG Guidelines, 2015. Collection method: clinical testing. Allele origin: germline.
Comment: The PTCH2 c.2263G>C variant is predicted to result in the amino acid substitution p.Ala755Pro. To our knowledge, this variant has not been reported in the literature. This variant is reported in 0.016% of alleles in individuals of East Asian descent in gnomAD. At this time, the clinical significance of this variant is uncertain due to the absence of conclusive functional and genetic evidence.

NM_003738.5(PTCH2):c.2263G>C (p.Ala755Pro)

Gene: PTCH2 (patched 2; minus strand). Cytogenetic location: 1p34.1.
Variant type: single nucleotide variant.
Coding change: c.2263G>C on transcript NM_003738.5 (MANE Select); coding-DNA position 2263, G replaced by C.
Protein change: p.Ala755Pro; replaces alanine 755 with proline.
Molecular consequence: missense variant.
Genome position (GRCh38, 1-based): chr1:44,827,510, C>G on the plus strand (G>C on the coding strand, the complement: PTCH2 is on the minus strand). VCF-style: chr1-44827510-C-G. GRCh37 (hg19) VCF-style: chr1-45293182-C-G.
Other names: c.2263G>C, p.Ala755Pro (NM_001166292.2); c.2263G>C (NM_003738.4); short protein forms A755P.
Identifiers: ClinVar variation 2084472 (VCV002084472.6), dbSNP rs200862802, ClinGen allele CA823066.